The following is an entry in ClinVar:

ClinVar aggregate classification (germline): Uncertain significance (1 of 4 stars; one submission).

Conditions:
Periodic fever-infantile enterocolitis-autoinflammatory syndrome. Also called: Autoinflammation with infantile enterocolitis. Identifiers: Orphanet 436166, MedGen C4015067, MONDO:0014472, OMIM 616050.
Familial cold autoinflammatory syndrome 4 (FCAS4). Identifiers: Orphanet 47045, Orphanet 576349, MedGen C4015276, MONDO:0014498, OMIM 616115.

Allele frequency attached by ClinVar (database versions not stated): TOPMed below 0.00001.

Submission:

Labcorp Genetics (formerly Invitae), Labcorp
Classification: Uncertain significance for Periodic fever-infantile enterocolitis-autoinflammatory syndrome; Familial cold autoinflammatory syndrome 4. Last evaluated: 2024-10-17. Review status: criteria provided, single submitter. Criteria: Invitae Variant Classification Sherloc (09022015). Collection method: clinical testing. Allele origin: germline.
Comment: This sequence change replaces leucine, which is neutral and non-polar, with phenylalanine, which is neutral and non-polar, at codon 942 of the NLRC4 protein (p.Leu942Phe). This variant is not present in population databases (gnomAD no frequency). This variant has not been reported in the literature in individuals affected with NLRC4-related conditions. Invitae Evidence Modeling of protein sequence and biophysical properties (such as structural, functional, and spatial information, amino acid conservation, physicochemical variation, residue mobility, and thermodynamic stability) indicates that this missense variant is expected to disrupt NLRC4 protein function with a positive predictive value of 80%. In summary, the available evidence is currently insufficient to determine the role of this variant in disease. Therefore, it has been classified as a Variant of Uncertain Significance.

NM_001199138.2(NLRC4):c.2826G>C (p.Leu942Phe)

Gene: NLRC4 (NLR family CARD domain containing 4; minus strand). Cytogenetic location: 2p22.3.
Variant type: single nucleotide variant.
Coding change: c.2826G>C on transcript NM_001199138.2 (MANE Select); coding-DNA position 2826, G replaced by C.
Protein change: p.Leu942Phe; replaces leucine 942 with phenylalanine.
Molecular consequence: missense variant.
Genome position (GRCh38, 1-based): chr2:32,224,722, C>G on the plus strand (G>C on the coding strand, the complement: NLRC4 is on the minus strand). VCF-style: chr2-32224722-C-G. GRCh37 (hg19) VCF-style: chr2-32449791-C-G.
Other names: c.2826G>C, p.Leu942Phe (NM_001199139.2, NM_021209.5); c.831G>C, p.Leu277Phe (NM_001302504.2); short protein forms L277F, L942F.
Identifiers: ClinVar variation 2933087 (VCV002933087.3), dbSNP rs1686327946, ClinGen allele CA346519533.
Genomic context (GRCh38, chr2:32,224,722, plus strand): 5'-CTCAAATACACCCATGAAGGCAAGCCATCCATCACTGCTCACACGATTTCCCGCCAAATT[C>G]AACTGCTGGAAGTTTTTCAGAGGGTTCTTTCCAAAAAATGCACCTGGGTAAAGAAATAAG-3'
Protein context (NP_001186067.1, residues 932-952): GKNPLKNFQQ[Leu942Phe]NLAGNRVSSD